The following is an entry in ClinVar:

NM_001080467.3(MYO5B):c.2090+10G>A

Gene: MYO5B (myosin VB; minus strand). Cytogenetic location: 18q21.1.
Variant type: single nucleotide variant.
Coding change: c.2090+10G>A on transcript NM_001080467.3 (MANE Select); 10 bases into the intron after coding-DNA position 2090, G replaced by A.
Molecular consequence: intron variant.
Genome position (GRCh38, 1-based): chr18:49,929,502, C>T on the plus strand (G>A on the coding strand, the complement: MYO5B is on the minus strand). VCF-style: chr18-49929502-C-T. GRCh37 (hg19) VCF-style: chr18-47455872-C-T.
Other names: c.2090+10G>A (NM_001080467.2).
Identifiers: ClinVar variation 1595309 (VCV001595309.10), dbSNP rs375779828, ClinGen allele CA8961241.
Genomic context (GRCh38, chr18:49,929,502, plus strand): 5'-CTCCCTGGGGAACCAAACTCTGGCTGCTCTAGGGCAGCCCCAGGAGGCAGCTGGCGGGCA[C>T]GTTAGTTACCTGGATGGGTAGCCAGCTGCACTGATTCGAATCGTCTCCAACACCCCGCAG-3'

ClinVar aggregate classification (germline): Likely benign. Review status: criteria provided, single submitter (1 of 4 stars). 2 submissions from 2 submitters: Likely benign (1). 1 of the submissions does not count toward it. Last evaluated 2026-02-02.

Conditions:
MYO5B-related disorder. Also called: MYO5B-related condition.

Allele frequency attached by ClinVar (database versions not stated): gnomAD 0.00002 and 0.00007; ESP Exome Variant Server 0.00008; gnomAD exomes 0.00016; ExAC 0.00027; 1000 Genomes Project 0.00040; 1000 Genomes Project 30x 0.00047.
gnomAD v4.1: 105 of 1,600,820 alleles (0.0066%); highest among the groups gnomAD compares: South Asian, 0.079%; no homozygotes.

Submissions (2):

Labcorp Genetics (formerly Invitae), Labcorp
Classification: Likely benign. Last evaluated: 2026-02-02. Review status: criteria provided, single submitter. Criteria: Invitae Variant Classification Sherloc (09022015). Collection method: clinical testing. Allele origin: germline.

PreventionGenetics, part of Exact Sciences
Classification: Likely benign for MYO5B-related condition. Last evaluated: 2022-09-14. Review status: no assertion criteria provided. Collection method: clinical testing. Allele origin: germline. Not counted in ClinVar's aggregate classification.
Comment: This variant is classified as likely benign based on ACMG/AMP sequence variant interpretation guidelines (Richards et al. 2015 PMID: 25741868, with internal and published modifications).